The following is an entry in ClinVar:

ClinVar aggregate classification (germline): Uncertain significance (1 of 4 stars; one submission).

gnomAD v4.1: 8 of 1,612,466 alleles (0.0005%); highest among the groups gnomAD compares: East Asian, 0.0045%; no homozygotes.

Submission:

Labcorp Genetics (formerly Invitae), Labcorp
Classification: Uncertain significance. Last evaluated: 2025-10-29. Review status: criteria provided, single submitter. Criteria: Invitae Variant Classification Sherloc (09022015). Collection method: clinical testing. Allele origin: germline.
Comment: This sequence change falls in intron 20 of the CPLANE1 gene. It does not directly change the encoded amino acid sequence of the CPLANE1 protein. It affects a nucleotide within the consensus splice site. This variant is present in population databases (no rsID available, gnomAD 0.007%). This variant has not been reported in the literature in individuals affected with CPLANE1-related conditions. Variants that disrupt the consensus splice site are a relatively common cause of aberrant splicing (PMID: 17576681, 9536098). Algorithms developed to predict the effect of sequence changes on RNA splicing suggest that this variant may disrupt the consensus splice site. In summary, the available evidence is currently insufficient to determine the role of this variant in disease. Therefore, it has been classified as a Variant of Uncertain Significance.

Literature cited by the submitters: PubMed 17576681; PubMed 9536098.

NM_001384732.1(CPLANE1):c.3672+3A>G

Gene: CPLANE1 (ciliogenesis and planar polarity effector complex subunit 1; minus strand). Cytogenetic location: 5p13.2.
Variant type: single nucleotide variant.
Coding change: c.3672+3A>G on transcript NM_001384732.1 (MANE Select); 3 bases into the intron after coding-DNA position 3672, A replaced by G.
Molecular consequence: intron variant.
Genome position (GRCh38, 1-based): chr5:37,198,699, T>C on the plus strand (A>G on the coding strand, the complement: CPLANE1 is on the minus strand). VCF-style: chr5-37198699-T-C. GRCh37 (hg19) VCF-style: chr5-37198801-T-C.
Other names: c.3672+3A>G (NM_023073.4).
Identifiers: ClinVar variation 4740325 (VCV004740325.1).